The following is an entry in ClinVar:

NM_001374828.1(ARID1B):c.1170CGG[7] (p.Gly402del)

Gene: ARID1B (AT-rich interaction domain 1B; plus strand). Cytogenetic location: 6q25.3.
Variant type: Microsatellite.
Coding change: c.1170CGG[7] on transcript NM_001374828.1 (MANE Select); seven copies in a row of the 3-base unit CGG starting at c.1170; the reference has eight copies in a row; one copy, 3 bases deleted.
Protein change: p.Gly402del; deletes glycine 402.
Molecular consequence: inframe deletion.
Genome position (GRCh38, 1-based): chr6:156,778,871-156,778,873, CGG deleted; deleting any 3 consecutive bases within chr6:156,778,848-156,778,873 gives the same sequence; the position shown is the placement nearest the transcript's 3' end. VCF-style (leftmost placement, unchanged base first): chr6-156778847-GGGC-G. GRCh37 (hg19) VCF-style: chr6-157099981-GGGC-G.
Other names: c.942_944del (NM_020732.3); c.942_944delCGG (NM_020732.3); c.1170CGG[7], p.Gly402del (NM_001371656.1, NM_001374820.1, NM_017519.3); short protein forms G402del.
Identifiers: ClinVar variation 589538 (VCV000589538.18), dbSNP rs587779747, ClinGen allele CA4066707.
Genomic context (GRCh38, chr6:156,778,847, plus strand): 5'-CCACGAAGGGTACCCCAACAGCCAGTGCAACCATTATCCGGGCTACAGCCGGCCCGGCGC[GGGC>G]GGCGGCGGCGGCGGCGGCGGCGGAGGAGGAGGAGGCAGCGGAGGAGGAGGAGGAGGAGGA-3'

ClinVar aggregate classification (germline): Benign/Likely benign. Review status: criteria provided, multiple submitters, no conflicts (2 of 4 stars). 5 submissions from 5 submitters: Benign (2); Likely benign (2). 1 of the submissions does not count toward it. Last evaluated 2026-01-18.

Conditions:
Inborn genetic diseases. Identifiers: MedGen C0950123, MeSH D030342.
ARID1B-Related Disorder. Identifiers: MedGen CN381337.

Submissions (5):

Labcorp Genetics (formerly Invitae), Labcorp
Classification: Likely benign. Last evaluated: 2026-01-18. Review status: criteria provided, single submitter. Criteria: Invitae Variant Classification Sherloc (09022015). Collection method: clinical testing. Allele origin: germline.

Blueprint Genetics
Classification: Likely benign. Last evaluated: 2024-11-25. Review status: criteria provided, single submitter. Criteria: ACMG Guidelines, 2015. Collection method: clinical testing. Allele origin: germline.

GeneDx
Classification: Benign. Last evaluated: 2021-03-10. Review status: criteria provided, single submitter. Criteria: GeneDx Variant Classification Process June 2021. Collection method: clinical testing. Allele origin: germline. Affected: yes.

Ambry Genetics
Classification: Benign for Inborn genetic diseases. Last evaluated: 2018-04-03. Review status: criteria provided, single submitter. Criteria: Ambry Variant Classification Scheme 2023. Collection method: clinical testing. Allele origin: germline.

PreventionGenetics, part of Exact Sciences
Classification: Benign for ARID1B-related condition. Last evaluated: 2019-06-20. Review status: no assertion criteria provided. Collection method: clinical testing. Allele origin: germline. Not counted in ClinVar's aggregate classification.
Comment: This variant is classified as benign based on ACMG/AMP sequence variant interpretation guidelines (Richards et al. 2015 PMID: 25741868, with internal and published modifications).